The following is an entry in ClinVar:

NM_000404.4(GLB1):c.31C>G (p.Leu11Val)

Genes: TMPPE (transmembrane protein with metallophosphoesterase domain; minus strand), GLB1 (galactosidase beta 1; minus strand), LOC129936434 (ATAC-STARR-seq lymphoblastoid silent region 14182; plus strand). Cytogenetic location: 3p22.3.
Variant type: single nucleotide variant.
Coding change: c.31C>G on transcript NM_000404.4 (MANE Select); coding-DNA position 31, C replaced by G.
Protein change: p.Leu11Val; replaces leucine 11 with valine.
Molecular consequence: missense variant. On other transcripts: 5 prime UTR variant (2).
Genome position (GRCh38, 1-based): chr3:33,097,055, G>C on the plus strand (C>G on the coding strand, the complement: GLB1 is on the minus strand). VCF-style: chr3-33097055-G-C. GRCh37 (hg19) VCF-style: chr3-33138547-G-C.
Other names: c.31C>G, p.Leu11Val (NM_001135602.3, NM_001317040.2, NM_001393580.1); c.-445C>G (NM_001039770.3); c.-341C>G (NM_001136238.2); short protein forms L11V.
Identifiers: ClinVar variation 425289 (VCV000425289.54), dbSNP rs77988381, ClinGen allele CA2300136.

ClinVar aggregate classification (germline): Conflicting classifications of pathogenicity. Review status: criteria provided, conflicting classifications (1 of 4 stars). 5 submissions from 5 submitters: Uncertain significance (2); Likely benign (2). 1 of the submissions does not count toward it. Last evaluated 2026-01-27.

Conditions:
GLB1-related disorder. Also called: GLB1-related disorders. Identifiers: MedGen CN377807.
Mucopolysaccharidosis, MPS-IV-B (MPS4B). Also called: Mucopolysaccharidosis type IVB (Morquio); Mucopolysaccharidosis type 4B; MORQUIO SYNDROME B; Mucopolysaccharidosis type IV B; Mucopolysaccharidosis Type IVB; Mucopolysaccharidosis Type IVB (Morquio B Disease). Identifiers: Orphanet 309310, Orphanet 582, MedGen C0086652, MONDO:0009660, OMIM 253010.
GM1 gangliosidosis. Identifiers: Orphanet 354, MedGen C0085131, MONDO:0018149.
Infantile GM1 gangliosidosis. Also called: Gangliosidosis, Generalized GM1, Type 1; GM1-gangliosidosis, type I; Gangliosidosis, generalized GM1, infantile form; GLB1 deficiency; GM1 gangliosidosis type 1. Identifiers: Orphanet 354, Orphanet 79255, MedGen C0268271, MONDO:0009260, OMIM 230500.

Allele frequency attached by ClinVar (database versions not stated): gnomAD exomes 0.00012 and 0.00028; ExAC 0.00039; TOPMed 0.00135; 1000 Genomes Project 0.00240; 1000 Genomes Project 30x 0.00281.
gnomAD v4.1: 391 of 1,612,036 alleles (0.024%); highest among the groups gnomAD compares: African/African-American, 0.48%; 2 homozygotes.

Submissions (5):

Labcorp Genetics (formerly Invitae), Labcorp
Classification: Likely benign for Mucopolysaccharidosis, MPS-IV-B; GM1 gangliosidosis. Last evaluated: 2026-01-27. Review status: criteria provided, single submitter. Criteria: Invitae Variant Classification Sherloc (09022015). Collection method: clinical testing. Allele origin: germline.

Women's Health and Genetics/Laboratory Corporation of America, LabCorp
Classification: Likely benign. Last evaluated: 2025-03-18. Review status: criteria provided, single submitter. Criteria: LabCorp Variant Classification Summary - May 2015. Collection method: clinical testing. Allele origin: germline.
Comment: Variant summary: GLB1 c.31C>G (p.Leu11Val) results in a conservative amino acid change in the encoded protein sequence. Four of five in-silico tools predict a benign effect of the variant on protein function. The variant allele was found at a frequency of 0.00028 in 245934 control chromosomes, predominantly at a frequency of 0.0042 within the African or African-American subpopulation in the gnomAD database. The observed variant frequency within African or African-American control individuals in the gnomAD database is approximately 1.68 fold of the estimated maximal expected allele frequency for a pathogenic variant in GLB1 causing Infantile GM1 gangliosidosis phenotype (0.0025). To our knowledge, no occurrence of c.31C>G in individuals affected with Infantile GM1 gangliosidosis and no experimental evidence demonstrating its impact on protein function have been reported. ClinVar contains an entry for this variant (Variation ID: 425289). Based on the evidence outlined above, the variant was classified as likely benign.

Baylor Genetics
Classification: Uncertain significance for Infantile GM1 gangliosidosis. Last evaluated: 2018-03-26. Review status: criteria provided, single submitter. Criteria: ACMG Guidelines, 2015. Collection method: clinical testing. Allele origin: unknown. Affected: yes.
Comment: This variant was determined to be of uncertain significance according to ACMG Guidelines, 2015 [PMID:25741868].

CeGaT Center for Human Genetics Tuebingen
Classification: Uncertain significance. Last evaluated: 2016-09-01. Review status: criteria provided, single submitter. Criteria: CeGaT Center For Human Genetics Tuebingen Variant Classification Criteria Version 2. Collection method: clinical testing. Allele origin: germline. Affected: yes. Observed: 1 variant allele.

PreventionGenetics, part of Exact Sciences
Classification: Likely benign for GLB1-related condition. Last evaluated: 2022-04-28. Review status: no assertion criteria provided. Collection method: clinical testing. Allele origin: germline. Not counted in ClinVar's aggregate classification.
Comment: This variant is classified as likely benign based on ACMG/AMP sequence variant interpretation guidelines (Richards et al. 2015 PMID: 25741868, with internal and published modifications).